The following is an entry in ClinVar:

ClinVar aggregate classification (germline): Uncertain significance (1 of 4 stars; one submission).

Conditions:
Inborn genetic diseases. Identifiers: MedGen C0950123, MeSH D030342.

Allele frequency attached by ClinVar (database versions not stated): TOPMed 0.00001; gnomAD 0.00005; gnomAD exomes 0.00006; ExAC 0.00014.
gnomAD v4.1: 32 of 1,206,966 alleles (0.0027%); highest among the groups gnomAD compares: Admixed American, 0.07%; no homozygotes.

Submission:

Ambry Genetics
Classification: Uncertain significance for Inborn genetic diseases. Last evaluated: 2017-09-21. Review status: criteria provided, single submitter. Criteria: Ambry Variant Classification Scheme 2023. Collection method: clinical testing. Allele origin: germline.
Comment: The p.K246R variant (also known as c.737A>G), located in coding exon 8 of the FMR1 gene, results from an A to G substitution at nucleotide position 737. The lysine at codon 246 is replaced by arginine, an amino acid with highly similar properties. This amino acid position is highly conserved in available vertebrate species. In addition, this alteration is predicted to be tolerated by in silico analysis. Since supporting evidence is limited at this time, the clinical significance of this alteration remains unclear.

NM_002024.6(FMR1):c.737A>G (p.Lys246Arg)

Gene: FMR1 (fragile X messenger ribonucleoprotein 1; plus strand). Cytogenetic location: Xq27.3.
Variant type: single nucleotide variant.
Coding change: c.737A>G on transcript NM_002024.6 (MANE Select); coding-DNA position 737, A replaced by G.
Protein change: p.Lys246Arg; replaces lysine 246 with arginine.
Molecular consequence: missense variant. On other transcripts: non-coding transcript variant (2).
Genome position (GRCh38, 1-based): chrX:147,932,531, A>G. VCF-style: chrX-147932531-A-G. GRCh37 (hg19) VCF-style: chrX-147014050-A-G.
Other names: c.737A>G, p.Lys246Arg (NM_001185075.2, NM_001185076.2, NM_001185081.2 and 1 more transcripts); short protein forms K246R.
Identifiers: ClinVar variation 1758600 (VCV001758600.2), dbSNP rs782077714, ClinGen allele CA10536212.
Genomic context (GRCh38, chrX:147,932,531, plus strand): 5'-GAGAAGATCTGATGGGTCTAGCTATTGGTACTCATGGTGCTAATATTCAGCAAGCTAGAA[A>G]AGTACCTGGGGTCACTGCTATTGATCTAGATGAAGATACCTGCACATTTCATATTTATGG-3'
Protein context (NP_002015.1, residues 236-256): THGANIQQAR[Lys246Arg]VPGVTAIDLD